The following is an entry in ClinVar:

NM_002857.4(PEX19):c.895_896del (p.Met299fs)

Gene: PEX19 (peroxisomal biogenesis factor 19; minus strand). Cytogenetic location: 1q23.2.
Variant type: Deletion.
Coding change: c.895_896del on transcript NM_002857.4 (MANE Select); coding-DNA positions 895 to 896, 2 bases deleted (AT; older notation c.895_896delAT).
Protein change: p.Met299fs; shifts the reading frame from methionine 299.
Molecular consequence: frameshift variant. On other transcripts: 3 prime UTR variant (1), non-coding transcript variant (2).
Genome position (GRCh38, 1-based): chr1:160,279,555-160,279,556, AT deleted on the plus strand (AT on the coding strand, the reverse complement: PEX19 is on the minus strand). VCF-style (leftmost placement, unchanged base first): chr1-160279554-CAT-C. GRCh37 (hg19) VCF-style: chr1-160249344-CAT-C.
Other names: c.*3_*4del (NM_001193644.1); short protein forms M299fs.
Identifiers: ClinVar variation 1513248 (VCV001513248.3), dbSNP rs1175608825, ClinGen allele CA526599009.

ClinVar aggregate classification (germline): Uncertain significance (1 of 4 stars; one submission).

Conditions:
Peroxisome biogenesis disorder 12A (Zellweger). Also called: Peroxisome biogenesis disorder 12A. Identifiers: Orphanet 912, MedGen C3554002, MONDO:0013951, OMIM 614886.

Allele frequency attached by ClinVar (database versions not stated): gnomAD exomes below 0.00001 and 0.00001; gnomAD 0.00001.

Submission:

Labcorp Genetics (formerly Invitae), Labcorp
Classification: Uncertain significance for Peroxisome biogenesis disorder 12A (Zellweger). Last evaluated: 2020-12-16. Review status: criteria provided, single submitter. Criteria: Invitae Variant Classification Sherloc (09022015). Collection method: clinical testing. Allele origin: germline.
Comment: This sequence change results in a frameshift in the PEX19 gene (p.Met299Valfs*105). While this is not anticipated to result in nonsense mediated decay, it is expected to disrupt the last 1 amino acid(s) of the PEX19 protein and extend the protein by 103 additional amino acid residues. This variant is not present in population databases (ExAC no frequency). This variant has not been reported in the literature in individuals with PEX19-related conditions. Experimental studies and prediction algorithms are not available or were not evaluated, and the functional significance of this variant is currently unknown. In summary, the available evidence is currently insufficient to determine the role of this variant in disease. Therefore, it has been classified as a Variant of Uncertain Significance.